The following is an entry in ClinVar:

NM_004859.4(CLTC):c.1806T>A (p.Asn602Lys)

Gene: CLTC (clathrin heavy chain; plus strand). Cytogenetic location: 17q23.1.
Variant type: single nucleotide variant.
Coding change: c.1806T>A on transcript NM_004859.4 (MANE Select); coding-DNA position 1806, T replaced by A.
Protein change: p.Asn602Lys; replaces asparagine 602 with lysine.
Molecular consequence: missense variant.
Genome position (GRCh38, 1-based): chr17:59,666,503, T>A. VCF-style: chr17-59666503-T-A. GRCh37 (hg19) VCF-style: chr17-57743864-T-A.
Other names: c.1818T>A, p.Asn606Lys (NM_001288653.2); short protein forms N606K, N602K.
Identifiers: ClinVar variation 3652333 (VCV003652333.2).

ClinVar aggregate classification (germline): Uncertain significance (1 of 4 stars; one submission).

Submission:

Labcorp Genetics (formerly Invitae), Labcorp
Classification: Uncertain significance. Last evaluated: 2024-05-13. Review status: criteria provided, single submitter. Criteria: Invitae Variant Classification Sherloc (09022015). Collection method: clinical testing. Allele origin: germline.
Comment: This sequence change replaces asparagine, which is neutral and polar, with lysine, which is basic and polar, at codon 606 of the CLTC protein (p.Asn606Lys). This variant is not present in population databases (gnomAD no frequency). This variant has not been reported in the literature in individuals affected with CLTC-related conditions. Advanced modeling of protein sequence and biophysical properties (such as structural, functional, and spatial information, amino acid conservation, physicochemical variation, residue mobility, and thermodynamic stability) performed at Invitae indicates that this missense variant is not expected to disrupt CLTC protein function with a negative predictive value of 80%. In summary, the available evidence is currently insufficient to determine the role of this variant in disease. Therefore, it has been classified as a Variant of Uncertain Significance.